The following is an entry in ClinVar:

ClinVar aggregate classification (germline): Benign/Likely benign. Review status: criteria provided, multiple submitters, no conflicts (2 of 4 stars). 3 submissions from 3 submitters: Benign (1); Likely benign (1). 1 of the submissions does not count toward it. Last evaluated 2026-01-25.

Conditions:
Inborn genetic diseases. Identifiers: MedGen C0950123, MeSH D030342.
NDUFA6-related disorder. Also called: NDUFA6-related condition.

Allele frequency attached by ClinVar (database versions not stated): gnomAD exomes 0.00023; ExAC 0.00099; 1000 Genomes Project 0.00180; 1000 Genomes Project 30x 0.00187; gnomAD 0.00248; TOPMed 0.00280; ESP Exome Variant Server 0.00346.
gnomAD v4.1: 741 of 1,614,244 alleles (0.046%); highest among the groups gnomAD compares: African/African-American, 0.84%; 2 homozygotes.

Submissions (3):

Labcorp Genetics (formerly Invitae), Labcorp
Classification: Benign. Last evaluated: 2026-01-25. Review status: criteria provided, single submitter. Criteria: Invitae Variant Classification Sherloc (09022015). Collection method: clinical testing. Allele origin: germline.

Ambry Genetics
Classification: Likely benign for Inborn genetic diseases. Last evaluated: 2024-06-26. Review status: criteria provided, single submitter. Criteria: Ambry Variant Classification Scheme 2023. Collection method: clinical testing. Allele origin: germline.

PreventionGenetics, part of Exact Sciences
Classification: Likely benign for NDUFA6-related condition. Last evaluated: 2019-04-02. Review status: no assertion criteria provided. Collection method: clinical testing. Allele origin: germline. Not counted in ClinVar's aggregate classification.
Comment: This variant is classified as likely benign based on ACMG/AMP sequence variant interpretation guidelines (Richards et al. 2015 PMID: 25741868, with internal and published modifications).

NM_002490.6(NDUFA6):c.-17G>A

Gene: NDUFA6 (NADH:ubiquinone oxidoreductase subunit A6; minus strand). Cytogenetic location: 22q13.2.
Variant type: single nucleotide variant.
Coding change: c.-17G>A on transcript NM_002490.6 (MANE Select); 17 bases upstream of the start codon, G replaced by A.
Molecular consequence: 5 prime UTR variant.
Genome position (GRCh38, 1-based): chr22:42,090,761, C>T on the plus strand (G>A on the coding strand, the complement: NDUFA6 is on the minus strand). VCF-style: chr22-42090761-C-T. GRCh37 (hg19) VCF-style: chr22-42486765-C-T.
Other names: c.62G>A (NM_002490.4, NM_002490.3).
Identifiers: ClinVar variation 1987400 (VCV001987400.7), dbSNP rs142068525, ClinGen allele CA10264464.
Genomic context (GRCh38, chr22:42,090,761, plus strand): 5'-GTGCTGGCGGTAGAAGTAGCTTGGCGGACGCCGCTCCCCGCCATCTTGCCAAAGCATCCA[C>T]TCCACAACCCCACCCCTTTGCAAGCAGCGCGTGCGGACCGCGGGCGAATGTCTTTTCCCA-3'